The following is an entry in ClinVar:

ClinVar aggregate classification (germline): Conflicting classifications of pathogenicity. Review status: criteria provided, conflicting classifications (1 of 4 stars). 10 submissions from 10 submitters: Uncertain significance (7); Benign (1); Likely benign (2). Last evaluated 2026-06-11.

Conditions:
Renal cell carcinoma. Identifiers: Orphanet 217071, MedGen C0007134, MeSH D002292, MONDO:0005086, HP:0005584.
Ovarian cancer. Also called: OVARIAN CANCER, SOMATIC. Identifiers: Orphanet 213500, MedGen C1140680, MONDO:0008170, OMIM 167000.
Autosomal recessive nonsyndromic hearing loss 97. Also called: Deafness, autosomal recessive 97. Identifiers: Orphanet 90636, MedGen C4084709, MONDO:0014739, OMIM 616705.
Hereditary cancer-predisposing syndrome. Also called: Hereditary Cancer Syndrome; Tumor predisposition; Hereditary neoplastic syndrome; Neoplastic Syndromes, Hereditary. Identifiers: Orphanet 140162, MedGen C0027672, MeSH D009386, MONDO:0015356.
Papillary renal cell carcinoma type 1 (RCCP1). Also called: RENAL CELL CARCINOMA, PAPILLARY, 1, SOMATIC; Renal adenocarcinoma; Renal cell carcinoma 1; Renal cell carcinoma, somatic. Identifiers: Orphanet 47044, MedGen C1336839, OMIM 605074, HP:0011797.

Allele frequency attached by ClinVar (database versions not stated): ExAC 0.00002; ESP Exome Variant Server 0.00008; gnomAD exomes 0.00002; TOPMed 0.00003; gnomAD 0.00005.
gnomAD v4.1: 35 of 1,613,734 alleles (0.0022%); highest among the groups gnomAD compares: Middle Eastern, 0.033%; no homozygotes.

Submissions (10):

Ambry Genetics
Classification: Likely benign for Hereditary cancer-predisposing syndrome. Last evaluated: 2026-06-11. Review status: criteria provided, single submitter. Criteria: Ambry Variant Classification Scheme 2023. Collection method: clinical testing. Allele origin: germline.

Laboratory of Genetics, Children's Clinical University Hospital Latvia
Classification: Likely benign. Last evaluated: 2025-02-16. Review status: criteria provided, single submitter. Criteria: ACMG Guidelines, 2015. Collection method: clinical testing. Allele origin: germline. Affected: yes.

GeneDx
Classification: Uncertain significance. Last evaluated: 2024-12-01. Review status: criteria provided, single submitter. Criteria: GeneDx Variant Classification Process June 2021. Collection method: clinical testing. Allele origin: germline.
Comment: In silico analysis indicates that this missense variant does not alter protein structure/function; This variant is associated with the following publications: (PMID: 25759019, 27997549, 28873162, 35264596)

Labcorp Genetics (formerly Invitae), Labcorp
Classification: Uncertain significance for Renal cell carcinoma. Last evaluated: 2024-10-28. Review status: criteria provided, single submitter. Criteria: Invitae Variant Classification Sherloc (09022015). Collection method: clinical testing. Allele origin: germline.
Comment: This sequence change replaces serine, which is neutral and polar, with leucine, which is neutral and non-polar, at codon 663 of the MET protein (p.Ser663Leu). This variant is present in population databases (rs376459715, gnomAD 0.008%). This missense change has been observed in individual(s) with breast cancer (PMID: 28873162, 35264596). ClinVar contains an entry for this variant (Variation ID: 454204). Invitae Evidence Modeling of protein sequence and biophysical properties (such as structural, functional, and spatial information, amino acid conservation, physicochemical variation, residue mobility, and thermodynamic stability) indicates that this missense variant is not expected to disrupt MET protein function with a negative predictive value of 80%. In summary, the available evidence is currently insufficient to determine the role of this variant in disease. Therefore, it has been classified as a Variant of Uncertain Significance.

Quest Diagnostics Nichols Institute San Juan Capistrano
Classification: Uncertain significance. Last evaluated: 2023-11-17. Review status: criteria provided, single submitter. Criteria: Quest Diagnostics criteria. Collection method: clinical testing. Allele origin: unknown.

Baylor Genetics
Classification: Uncertain significance for Autosomal recessive nonsyndromic hearing loss 97. Last evaluated: 2023-09-11. Review status: criteria provided, single submitter. Criteria: ACMG Guidelines, 2015. Collection method: clinical testing. Allele origin: unknown.

Laboratory of Molecular Epidemiology of Birth Defects, West China Second University Hospital, Sichuan University
Classification: Benign for Ovarian cancer. Last evaluated: 2022-01-01. Review status: criteria provided, single submitter. Criteria: ACMG Guidelines, 2015. Collection method: clinical testing. Allele origin: germline. Affected: yes.

Sema4
Classification: Uncertain significance for Hereditary cancer-predisposing syndrome. Last evaluated: 2021-09-13. Review status: criteria provided, single submitter. Criteria: Sema4 Curation Guidelines. Collection method: curation. Allele origin: germline.
Comment: The MET c.1988C>T (p.S663L) variant has been reported in an individual with advanced cancer (PMID: 28873162). This variant was observed in 7/280704 chromosomes across all populations in the Genome Aggregation Database (PMID: 32461654). The variant has been reported in ClinVar (Variation ID 454204). Functional studies have not been performed, and in silico predictions of the variant's effect on protein function are inconclusive. The evidence is insufficient to meet ACMG/AMP criteria for classifying the variant as benign or pathogenic. Thus, the clinical significance of this variant is currently uncertain.

Mendelics
Classification: Uncertain significance for Renal cell carcinoma, papillary, 1. Last evaluated: 2018-07-02. Review status: criteria provided, single submitter. Criteria: Mendelics Assertion Criteria 2017. Collection method: clinical testing. Allele origin: unknown.

Eurofins Ntd Llc (ga)
Classification: Uncertain significance. Last evaluated: 2017-03-31. Review status: criteria provided, single submitter. Criteria: EGL Classification Definitions 2015. Collection method: clinical testing. Allele origin: germline. Observed: 1 variant allele, 1 heterozygote.

Literature cited by the submitters: PubMed 35264596 (cited by 3 submitters); PubMed 28873162 (cited by 3 submitters).

NM_000245.4(MET):c.1988C>T (p.Ser663Leu)

Gene: MET (MET proto-oncogene, receptor tyrosine kinase; plus strand). Cytogenetic location: 7q31.2.
Variant type: single nucleotide variant.
Coding change: c.1988C>T on transcript NM_000245.4 (MANE Select); coding-DNA position 1988, C replaced by T.
Protein change: p.Ser663Leu; replaces serine 663 with leucine.
Molecular consequence: missense variant.
Genome position (GRCh38, 1-based): chr7:116,757,660, C>T. VCF-style: chr7-116757660-C-T. GRCh37 (hg19) VCF-style: chr7-116397714-C-T.
Other names: c.1988C>T, p.Ser663Leu (NM_001127500.3, NM_001324401.3); c.698C>T, p.Ser233Leu (NM_001324402.2); c.1988C>T (NM_001127500.2); short protein forms S663L, S233L.
Identifiers: ClinVar variation 454204 (VCV000454204.28), dbSNP rs376459715, ClinGen allele CA4448351.